The following is an entry in ClinVar:

ClinVar aggregate classification (germline): Conflicting classifications of pathogenicity. Review status: criteria provided, conflicting classifications (1 of 4 stars). 2 submissions from 2 submitters: Uncertain significance (1); Likely benign (1). Last evaluated 2026-05-14.

Conditions:
DCTN1-related disorder. Also called: DCTN1-related condition.
Amyotrophic lateral sclerosis type 1 (ALS1). Also called: AMYOTROPHIC LATERAL SCLEROSIS 1, FAMILIAL. Identifiers: Orphanet 803, MedGen C1862939, MONDO:0007103, OMIM 105400.
Perry syndrome. Also called: PARKINSONISM WITH ALVEOLAR HYPOVENTILATION AND MENTAL DEPRESSION. Identifiers: Orphanet 178509, MedGen C1868594, MONDO:0008201, OMIM 168605.
Neuronopathy, distal hereditary motor, type 7B. Also called: NEURONOPATHY, DISTAL HEREDITARY MOTOR, AUTOSOMAL DOMINANT 14; NEURONOPATHY, DISTAL HEREDITARY MOTOR, HARDING TYPE VIIB; NEUROPATHY, DISTAL HEREDITARY MOTOR, HARDING TYPE VIIB; NEUROPATHY, DISTAL HEREDITARY MOTOR, WITH VOCAL CORD PARALYSIS, HARDING TYPE VIIB; Distal Hereditary Motor Neuronopathy Type 7B (dHMN7B); HMN VIIB. Identifiers: Orphanet 139589, MedGen C1843315, MONDO:0011879, OMIM 607641.

gnomAD v4.1: 3 of 1,614,188 alleles (0.00019%); highest among the groups gnomAD compares: Non-Finnish European, 0.00025%; no homozygotes.

Submissions (2):

PreventionGenetics, part of Exact Sciences
Classification: Uncertain significance for DCTN1-related condition. Last evaluated: 2026-05-14. Review status: criteria provided, single submitter. Criteria: ACMG Guidelines, 2015. Collection method: clinical testing. Allele origin: germline.
Comment: The DCTN1 c.2317-4G>A variant is predicted to interfere with splicing. However, the use of computer prediction programs is not equivalent to functional evidence. To our knowledge, this variant has not been reported in the literature. This variant is reported in 0.00088% of alleles in individuals of European (Non-Finnish) descent in gnomAD. At this time, the clinical significance of this variant is uncertain due to the absence of conclusive functional and genetic evidence.

Labcorp Genetics (formerly Invitae), Labcorp
Classification: Likely benign for Amyotrophic lateral sclerosis type 1; Neuronopathy, distal hereditary motor, type 7B; Perry syndrome. Last evaluated: 2024-04-03. Review status: criteria provided, single submitter. Criteria: Invitae Variant Classification Sherloc (09022015). Collection method: clinical testing. Allele origin: germline.

NM_004082.5(DCTN1):c.2317-4G>A

Gene: DCTN1 (dynactin subunit 1; minus strand). Cytogenetic location: 2p13.1.
Variant type: single nucleotide variant.
Coding change: c.2317-4G>A on transcript NM_004082.5 (MANE Select); 4 bases into the intron before coding-DNA position 2317, G replaced by A.
Molecular consequence: intron variant.
Genome position (GRCh38, 1-based): chr2:74,366,936, C>T on the plus strand (G>A on the coding strand, the complement: DCTN1 is on the minus strand). VCF-style: chr2-74366936-C-T. GRCh37 (hg19) VCF-style: chr2-74594063-C-T.
Other names: c.2206-4G>A (NM_001190836.2); c.2248-4G>A (NM_001378992.1); c.2266-4G>A (NM_001378991.1); c.2257-4G>A (NM_001135040.3); c.2296-4G>A (NM_001190837.2); c.1915-4G>A (NM_001135041.3, NM_023019.4); c.2317-4G>A (NM_004082.4).
Identifiers: ClinVar variation 3755667 (VCV003755667.3).